The following is an entry in ClinVar:

ClinVar aggregate classification (germline): Pathogenic/Likely pathogenic. Review status: criteria provided, multiple submitters, no conflicts (2 of 4 stars). 7 submissions from 7 submitters: Pathogenic (3); Likely pathogenic (3). 1 of the submissions does not count toward it. Last evaluated 2026-05-22.

Conditions:
PCCB-related disorder. Also called: PCCB-related condition.
Propionic acidemia (PROP). Also called: GLYCINEMIA, KETOTIC; HYPERGLYCINEMIA WITH KETOACIDOSIS AND LEUKOPENIA; KETOTIC HYPERGLYCINEMIA. Identifiers: Orphanet 35, MedGen C0268579, MONDO:0011628, OMIM 606054, HP:0003571.

Allele frequency attached by ClinVar (database versions not stated): ExAC below 0.00001; gnomAD 0.00001; gnomAD exomes 0.00001; TOPMed 0.00001.
gnomAD v4.1: 6 of 1,561,732 alleles (0.00038%); highest among the groups gnomAD compares: Admixed American, 0.012%; no homozygotes.

Submissions (7):

PreventionGenetics, part of Exact Sciences
Classification: Likely pathogenic for PCCB-related condition. Last evaluated: 2026-05-22. Review status: criteria provided, single submitter. Criteria: ACMG Guidelines, 2015. Collection method: clinical testing. Allele origin: germline.
Comment: The PCCB c.484G>T variant is predicted to result in the amino acid substitution p.Gly162Trp. This variant has been reported in the homozygous or compound heterozygous state in multiple individuals with propionic acidemia (Vela-Amieva et al. 2026. PubMed ID: 42021870). It has also been reported in a study of inborn errors of metabolism; however, no further details were provided (Table S5, Adhikari et al. 2020. PubMed ID: 32778825). This variant is reported in 0.012% of alleles in individuals of Latino descent in gnomAD. An alternate missense substitution affecting the same amino acid position (p.Gly162Arg) has been reported in the homozygous state in an individual with propionic acidemia (Hu et al. 2008. PubMed ID: 19099776). This variant is interpreted as likely pathogenic.

GeneDx
Classification: Likely pathogenic. Last evaluated: 2026-05-15. Review status: criteria provided, single submitter. Criteria: GeneDx Variant Classification Process June 2021. Collection method: clinical testing. Allele origin: germline.
Comment: Identified among newborns with a positive newborn screen and tested by exome sequencing; however, patient-specific information was not provided (PMID: 32778825); Not observed at significant frequency in large population cohorts (gnomAD); In silico analysis supports that this missense variant has a deleterious effect on protein structure/function; This variant is associated with the following publications: (PMID: 12559849, 19099776, 32778825, 42021870)

Labcorp Genetics (formerly Invitae), Labcorp
Classification: Pathogenic for Propionic acidemia. Last evaluated: 2025-11-01. Review status: criteria provided, single submitter. Criteria: Invitae Variant Classification Sherloc (09022015). Collection method: clinical testing. Allele origin: germline.
Comment: This sequence change replaces glycine, which is neutral and non-polar, with tryptophan, which is neutral and slightly polar, at codon 162 of the PCCB protein (p.Gly162Trp). The frequency data for this variant in the population databases is considered unreliable, as metrics indicate poor data quality at this position in the gnomAD database. This missense change has been observed in individual(s) with propionic acidemia (PMID: 32778825; internal data). ClinVar contains an entry for this variant (Variation ID: 529437). Invitae Evidence Modeling of protein sequence and biophysical properties (such as structural, functional, and spatial information, amino acid conservation, physicochemical variation, residue mobility, and thermodynamic stability) indicates that this missense variant is expected to disrupt PCCB protein function with a positive predictive value of 95%. This variant disrupts the p.Gly162 amino acid residue in PCCB. Other variant(s) that disrupt this residue have been observed in individuals with PCCB-related conditions (PMID: 19099776), which suggests that this may be a clinically significant amino acid residue. For these reasons, this variant has been classified as Pathogenic.

Daryl Scott Lab, Baylor College of Medicine
Classification: Pathogenic for Propionic acidemia. Last evaluated: 2025-08-25. Review status: criteria provided, single submitter. Criteria: ACMG Guidelines, 2015. Collection method: clinical testing. Allele origin: maternal. Affected: yes. Observed: 1 compound heterozygote.
Comment: PS4, PM2, PM3, PM5

Women's Health and Genetics/Laboratory Corporation of America, LabCorp
Classification: Likely pathogenic for Propionic acidemia. Last evaluated: 2025-04-24. Review status: criteria provided, single submitter. Criteria: LabCorp Variant Classification Summary - May 2015. Collection method: clinical testing. Allele origin: germline.
Comment: Variant summary: PCCB c.484G>T (p.Gly162Trp) results in a non-conservative amino acid change in the encoded protein sequence. Five of five in-silico tools predict a damaging effect of the variant on protein function. The variant allele was found at a frequency of 2.3e-05 in 171574 control chromosomes. c.484G>T has been observed in multiple homozygous or presumed compound heterozygous individual(s) affected with Propionic Acidemia and in an unknown zygosity in a cohort with inborn errors of metabolism (example; Adhikari_2020, Labcorp Genetics (formerly Invitae)), including at least 1 individual who met internal pathognomonic criteria. These data indicate that the variant may be associated with disease. To our knowledge, no experimental evidence demonstrating an impact on protein function has been reported. The following publications have been ascertained in the context of this evaluation (PMID: 32778825, NO_PMID). ClinVar contains an entry for this variant (Variation ID: 529437). Based on the evidence outlined above, the variant was classified as likely pathogenic.

Baylor Genetics
Classification: Pathogenic for Propionic acidemia. Last evaluated: 2024-02-20. Review status: criteria provided, single submitter. Criteria: ACMG Guidelines, 2015. Collection method: clinical testing. Allele origin: unknown.

Natera, Inc.
Classification: Uncertain significance for Propionic acidemia. Last evaluated: 2019-10-28. Review status: no assertion criteria provided. Collection method: clinical testing. Allele origin: germline. Not counted in ClinVar's aggregate classification.

Literature cited by the submitters: PubMed 32778825 (cited by Labcorp Genetics (formerly Invitae), Labcorp and Women's Health and Genetics/Laboratory Corporation of America, LabCorp); PubMed 19099776 (cited by Labcorp Genetics (formerly Invitae), Labcorp).

NM_000532.5(PCCB):c.484G>T (p.Gly162Trp)

Gene: PCCB (propionyl-CoA carboxylase subunit beta; plus strand). Cytogenetic location: 3q22.3.
Variant type: single nucleotide variant.
Coding change: c.484G>T on transcript NM_000532.5 (MANE Select); coding-DNA position 484, G replaced by T.
Protein change: p.Gly162Trp; replaces glycine 162 with tryptophan.
Molecular consequence: missense variant.
Genome position (GRCh38, 1-based): chr3:136,262,006, G>T. VCF-style: chr3-136262006-G-T. GRCh37 (hg19) VCF-style: chr3-135980848-G-T.
Other names: c.544G>T, p.Gly182Trp (NM_001178014.2); short protein forms G162W, G182W.
Identifiers: ClinVar variation 529437 (VCV000529437.24), dbSNP rs754752068, ClinGen allele CA2631758.